The following is an entry in ClinVar:

ClinVar aggregate classification (germline): Conflicting classifications of pathogenicity. Review status: criteria provided, conflicting classifications (1 of 4 stars). 2 submissions from 2 submitters: Likely pathogenic (1); Uncertain significance (1). Last evaluated 2025-06-25.

Conditions:
EPILEPSY, CHILDHOOD ABSENCE, SUSCEPTIBILITY TO, 2 (ECA2). Identifiers: Orphanet 64280, MedGen C1843244, OMIM 607681.
Febrile seizures, familial, 8 (FEB8). Also called: CONVULSIONS, FAMILIAL FEBRILE, 8. Identifiers: Orphanet 36387, MedGen C1969810, MONDO:0011891, OMIM 607681.

gnomAD v4.1: 1 of 1,614,006 alleles (0.000062%); highest among the groups gnomAD compares: Non-Finnish European, 0.000085%; no homozygotes.

Submissions (2):

GeneDx
Classification: Likely pathogenic. Last evaluated: 2025-06-25. Review status: criteria provided, single submitter. Criteria: GeneDx Variant Classification Process June 2021. Collection method: clinical testing. Allele origin: germline. Affected: yes.
Comment: Reported previously in a cohort of patients with epilepsy and neurodevelopmental disorders but no further information was provided (PMID: 29655203); In silico analysis supports that this missense variant has a deleterious effect on protein structure/function; Not observed at significant frequency in large population cohorts (gnomAD); This variant is associated with the following publications: (PMID: 29655203)

Labcorp Genetics (formerly Invitae), Labcorp
Classification: Uncertain significance for Febrile seizures, familial, 8; EPILEPSY, CHILDHOOD ABSENCE, SUSCEPTIBILITY TO, 2. Last evaluated: 2024-08-27. Review status: criteria provided, single submitter. Criteria: Invitae Variant Classification Sherloc (09022015). Collection method: clinical testing. Allele origin: germline.
Comment: This sequence change replaces arginine, which is basic and polar, with tryptophan, which is neutral and slightly polar, at codon 446 of the GABRG2 protein (p.Arg446Trp). This variant is not present in population databases (gnomAD no frequency). This missense change has been observed in individual(s) with clinical features of GABRG2-related conditions (PMID: 29655203; internal data). ClinVar contains an entry for this variant (Variation ID: 205556). Invitae Evidence Modeling of protein sequence and biophysical properties (such as structural, functional, and spatial information, amino acid conservation, physicochemical variation, residue mobility, and thermodynamic stability) indicates that this missense variant is expected to disrupt GABRG2 protein function with a positive predictive value of 95%. In summary, the available evidence is currently insufficient to determine the role of this variant in disease. Therefore, it has been classified as a Variant of Uncertain Significance.

Literature cited by the submitters: PubMed 29655203 (cited by Labcorp Genetics (formerly Invitae), Labcorp).

NM_198904.4(GABRG2):c.1360C>T (p.Arg454Trp)

Gene: GABRG2 (gamma-aminobutyric acid type A receptor subunit gamma2; plus strand). Cytogenetic location: 5q34.
Variant type: single nucleotide variant.
Coding change: c.1360C>T on transcript NM_198904.4 (MANE Select); coding-DNA position 1360, C replaced by T.
Protein change: p.Arg454Trp; replaces arginine 454 with tryptophan.
Molecular consequence: missense variant. On other transcripts: 3 prime UTR variant (1).
Genome position (GRCh38, 1-based): chr5:162,153,300, C>T. VCF-style: chr5-162153300-C-T. GRCh37 (hg19) VCF-style: chr5-161580306-C-T.
Other names: p.R446W:CGG>TGG; c.1336C>T, p.Arg446Trp (NM_000816.3); c.1351C>T, p.Arg451Trp (NM_001375339.1); c.*194C>T (NM_001375340.1); c.1357C>T, p.Arg453Trp (NM_001375341.1); c.1333C>T, p.Arg445Trp (NM_001375342.1); c.1456C>T, p.Arg486Trp (NM_001375343.1); c.1399C>T, p.Arg467Trp (NM_001375344.1); and 7 more; short protein forms R446W, R494W, R454W, R306W, R314W, R351W, R424W, R425W.
Identifiers: ClinVar variation 205556 (VCV000205556.13), dbSNP rs796052515, ClinGen allele CA314753.